The following is an entry in ClinVar:

ClinVar aggregate classification (germline): Uncertain significance. Review status: criteria provided, multiple submitters, no conflicts (2 of 4 stars). 3 submissions from 3 submitters: Uncertain significance (2). 1 of the submissions does not count toward it. Last evaluated 2025-06-10.

Conditions:
Inborn genetic diseases. Identifiers: MedGen C0950123, MeSH D030342.
TCOF1-related disorder. Also called: TCOF1-related condition.

gnomAD v4.1: 10 of 1,614,110 alleles (0.00062%); highest among the groups gnomAD compares: African/African-American, 0.0067%; no homozygotes.

Submissions (3):

Women's Health and Genetics/Laboratory Corporation of America, LabCorp
Classification: Uncertain significance. Last evaluated: 2025-06-10. Review status: criteria provided, single submitter. Criteria: LabCorp Variant Classification Summary - May 2015. Collection method: clinical testing. Allele origin: germline.
Comment: Variant summary: TCOF1 c.725C>G (p.Pro242Arg) results in a non-conservative amino acid change in the encoded protein sequence. Algorithms developed to predict the effect of missense changes on protein structure and function are either unavailable or do not agree on the potential impact of this missense change. The variant allele was found at a frequency of 8e-06 in 249392 control chromosomes. The available data on variant occurrences in the general population are insufficient to allow any conclusion about variant significance. To our knowledge, no occurrence of c.725C>G in individuals affected with Treacher-Collins Syndrome 1 and no experimental evidence demonstrating its impact on protein function have been reported. ClinVar contains an entry for this variant (Variation ID: 3358170). Based on the evidence outlined above, the variant was classified as uncertain significance.

Ambry Genetics
Classification: Uncertain significance for Inborn genetic diseases. Last evaluated: 2025-02-28. Review status: criteria provided, single submitter. Criteria: Ambry Variant Classification Scheme 2023. Collection method: clinical testing. Allele origin: germline.

PreventionGenetics, part of Exact Sciences
Classification: Uncertain significance for TCOF1-related condition. Last evaluated: 2024-05-06. Review status: no assertion criteria provided. Collection method: clinical testing. Allele origin: germline. Not counted in ClinVar's aggregate classification.
Comment: The TCOF1 c.725C>G variant is predicted to result in the amino acid substitution p.Pro242Arg. To our knowledge, this variant has not been reported in the literature. This variant is reported in 0.0083% of alleles in individuals of African descent in gnomAD. At this time, the clinical significance of this variant is uncertain due to the absence of conclusive functional and genetic evidence.

NM_001371623.1(TCOF1):c.725C>G (p.Pro242Arg)

Gene: TCOF1 (treacle ribosome biogenesis factor 1; plus strand). Cytogenetic location: 5q32.
Variant type: single nucleotide variant.
Coding change: c.725C>G on transcript NM_001371623.1 (MANE Select); coding-DNA position 725, C replaced by G.
Protein change: p.Pro242Arg; replaces proline 242 with arginine.
Molecular consequence: missense variant. On other transcripts: intron variant (2).
Genome position (GRCh38, 1-based): chr5:150,372,091, C>G. VCF-style: chr5-150372091-C-G. GRCh37 (hg19) VCF-style: chr5-149751654-C-G.
Other names: c.725C>G, p.Pro242Arg (NM_001008657.3, NM_001135243.2, NM_001135244.2 and 1 more transcripts); c.640-2083C>G (NM_001135245.2, NM_000356.4); short protein forms P242R.
Identifiers: ClinVar variation 3358170 (VCV003358170.3).